The following is an entry in ClinVar:

ClinVar aggregate classification (germline): Pathogenic. Review status: criteria provided, multiple submitters, no conflicts (2 of 4 stars). 5 submissions from 5 submitters: Pathogenic (5). Last evaluated 2025-12-30.

Conditions:
Congenital disorder of deglycosylation 1. Also called: NGLY1-Related Congenital Disorder of Deglycosylation; NGLY1-deficiency. Identifiers: Orphanet 404454, MedGen CN306977, MONDO:0800044, OMIM 615273.
Congenital disorder of deglycosylation (CDDG). Identifiers: MedGen C3808991, MONDO:0031376.

Allele frequency attached by ClinVar (database versions not stated): gnomAD exomes 0.00001 and below 0.00001; ESP Exome Variant Server 0.00008; TOPMed below 0.00001; ExAC 0.00001.
gnomAD v4.1: 17 of 1,613,412 alleles (0.0011%); highest among the groups gnomAD compares: South Asian, 0.0033%; no homozygotes.

Submissions (5):

Women's Health and Genetics/Laboratory Corporation of America, LabCorp
Classification: Pathogenic for Congenital disorder of deglycosylation. Last evaluated: 2025-12-30. Review status: criteria provided, single submitter. Criteria: LabCorp Variant Classification Summary - May 2015. Collection method: clinical testing. Allele origin: germline.
Comment: Variant summary: NGLY1 c.571C>T (p.Gln191X) results in a premature termination codon, predicted to cause a truncation of the encoded protein or absence of the protein due to nonsense mediated decay, which are commonly known mechanisms for disease. The variant allele was found at a frequency of 4e-06 in 250366 control chromosomes. c.571C>T has been observed in individual(s) affected with NGLY1-related disorders. These data indicate that the variant may be associated with disease. To our knowledge, no experimental evidence demonstrating an impact on protein function has been reported. The following publication have been ascertained in the context of this evaluation (PMID: 35243670). ClinVar contains an entry for this variant (Variation ID: 1184978). Based on the evidence outlined above, the variant was classified as pathogenic.

Dasa
Classification: Pathogenic. Last evaluated: 2025-01-13. Review status: criteria provided, single submitter. Criteria: DASA Assertion Criteria. Collection method: clinical testing. Allele origin: germline.
Comment: NM_018297.4(NGLY1):c.571C>T (p.Gln191*) introduces a premature termination codon predicted to result in loss of normal protein function. Loss-of-function is an established mechanism of disease for this gene. This variant has been observed in affected individuals with related phenotype in a genotype context consistent with recessive disease. The variant is present at low frequency in population datasets. Based on the available data, this variant is classified as pathogenic.

Fulgent Genetics
Classification: Pathogenic for Congenital disorder of deglycosylation 1. Last evaluated: 2024-05-01. Review status: criteria provided, single submitter. Criteria: ACMG Guidelines, 2015. Collection method: clinical testing. Allele origin: germline.

Labcorp Genetics (formerly Invitae), Labcorp
Classification: Pathogenic for Congenital disorder of deglycosylation. Last evaluated: 2024-01-30. Review status: criteria provided, single submitter. Criteria: Invitae Variant Classification Sherloc (09022015). Collection method: clinical testing. Allele origin: germline.
Comment: This sequence change creates a premature translational stop signal (p.Gln191*) in the NGLY1 gene. It is expected to result in an absent or disrupted protein product. Loss-of-function variants in NGLY1 are known to be pathogenic (PMID: 24651605). This variant is present in population databases (rs376678889, gnomAD 0.003%). This variant has not been reported in the literature in individuals affected with NGLY1-related conditions. ClinVar contains an entry for this variant (Variation ID: 1184978). For these reasons, this variant has been classified as Pathogenic.

Research Laboratories, P. D. Hinduja Hospital & MRC
Classification: Pathogenic for Congenital disorder of deglycosylation 1. Review status: criteria provided, single submitter. Criteria: ACMG Guidelines, 2015. Collection method: clinical testing. Allele origin: inherited. Inheritance: Autosomal recessive inheritance. Affected: yes. Observed: 1 variant allele, 1 homozygote.
Comment: NGS identified a homozygous variant in exon 4 of the NGLY1 gene (c.571C>T, p.Gln191*) which is consistent with CDDG.

Literature cited by the submitters: PubMed 35243670 (cited by Women's Health and Genetics/Laboratory Corporation of America, LabCorp); PubMed 24651605 (cited by Labcorp Genetics (formerly Invitae), Labcorp).

NM_018297.4(NGLY1):c.571C>T (p.Gln191Ter)

Gene: NGLY1 (N-glycanase 1; minus strand). Cytogenetic location: 3p24.2.
Variant type: single nucleotide variant.
Coding change: c.571C>T on transcript NM_018297.4 (MANE Select); coding-DNA position 571, C replaced by T.
Protein change: p.Gln191Ter; replaces glutamine 191 with a stop codon.
Molecular consequence: nonsense.
Genome position (GRCh38, 1-based): chr3:25,751,185, G>A on the plus strand (C>T on the coding strand, the complement: NGLY1 is on the minus strand). VCF-style: chr3-25751185-G-A. GRCh37 (hg19) VCF-style: chr3-25792676-G-A.
Other names: c.571C>T, p.Gln191Ter (NM_001145293.2, NM_001145295.2); c.445C>T, p.Gln149Ter (NM_001145294.2); short protein forms Q149*, Q191*.
Identifiers: ClinVar variation 1184978 (VCV001184978.12), dbSNP rs376678889, ClinGen allele CA2289446.